The following is an entry in ClinVar:

ClinVar aggregate classification (germline): Uncertain significance. Review status: criteria provided, multiple submitters, no conflicts (2 of 4 stars). 3 submissions from 3 submitters: Uncertain significance (3). Last evaluated 2025-07-06.

Conditions:
Bronchiectasis with or without elevated sweat chloride 1 (BESC1). Also called: Cystic Fibrosis-Like Syndrome. Identifiers: Orphanet 60033, MedGen C2749757, MONDO:0008887, OMIM 211400.
Liddle syndrome 1 (LIDLS1). Also called: PSEUDOALDOSTERONISM. Identifiers: Orphanet 526, MedGen CN031472, MONDO:0020607, OMIM 177200.
Pseudohypoaldosteronism, type IB2, autosomal recessive (PHA1B2). Identifiers: MedGen C5774255, MONDO:0859317, OMIM 620125.

Allele frequency attached by ClinVar (database versions not stated): gnomAD 0.00005; TOPMed 0.00005; ESP Exome Variant Server 0.00008.
gnomAD v4.1: 35 of 1,613,844 alleles (0.0022%); highest among the groups gnomAD compares: African/African-American, 0.0027%; no homozygotes.

Submissions (3):

Labcorp Genetics (formerly Invitae), Labcorp
Classification: Uncertain significance. Last evaluated: 2025-07-06. Review status: criteria provided, single submitter. Criteria: Invitae Variant Classification Sherloc (09022015). Collection method: clinical testing. Allele origin: germline.
Comment: This sequence change replaces aspartic acid, which is acidic and polar, with asparagine, which is neutral and polar, at codon 31 of the SCNN1B protein (p.Asp31Asn). This variant is present in population databases (rs370777535, gnomAD 0.005%). This missense change has been observed in individual(s) with hypertension (PMID: 27582106). ClinVar contains an entry for this variant (Variation ID: 1678510). Invitae Evidence Modeling of protein sequence and biophysical properties (such as structural, functional, and spatial information, amino acid conservation, physicochemical variation, residue mobility, and thermodynamic stability) indicates that this missense variant is not expected to disrupt SCNN1B protein function with a negative predictive value of 80%. Experimental studies have shown that this missense change affects SCNN1B function (PMID: 27582106). In summary, the available evidence is currently insufficient to determine the role of this variant in disease. Therefore, it has been classified as a Variant of Uncertain Significance.

Fulgent Genetics
Classification: Uncertain significance for Liddle syndrome 1; Bronchiectasis with or without elevated sweat chloride 1; Pseudohypoaldosteronism, type IB2, autosomal recessive. Last evaluated: 2024-05-15. Review status: criteria provided, single submitter. Criteria: ACMG Guidelines, 2015. Collection method: clinical testing. Allele origin: germline.

AiLife Diagnostics
Classification: Uncertain significance. Last evaluated: 2021-07-02. Review status: criteria provided, single submitter. Criteria: ACMG Guidelines, 2015. Collection method: clinical testing. Allele origin: germline. Affected: yes. Observed: 1 variant allele.

Literature cited by the submitters: PubMed 27582106 (cited by Labcorp Genetics (formerly Invitae), Labcorp and AiLife Diagnostics).

NM_000336.3(SCNN1B):c.91G>A (p.Asp31Asn)

Gene: SCNN1B (sodium channel epithelial 1 subunit beta; plus strand). Cytogenetic location: 16p12.2.
Variant type: single nucleotide variant.
Coding change: c.91G>A on transcript NM_000336.3 (MANE Select); coding-DNA position 91, G replaced by A.
Protein change: p.Asp31Asn; replaces aspartic acid 31 with asparagine.
Molecular consequence: missense variant.
Genome position (GRCh38, 1-based): chr16:23,348,690, G>A. VCF-style: chr16-23348690-G-A. GRCh37 (hg19) VCF-style: chr16-23360011-G-A.
Other names: short protein forms D31N.
Identifiers: ClinVar variation 1678510 (VCV001678510.3), dbSNP rs370777535, ClinGen allele CA7960064.